The following is an entry in ClinVar:

ClinVar aggregate classification (germline): Uncertain significance. Review status: criteria provided, multiple submitters, no conflicts (2 of 4 stars). 2 submissions from 2 submitters: Uncertain significance (2). Last evaluated 2024-06-28.

Conditions:
Autosomal recessive Alport syndrome (ATS2). Also called: COL4A4 Alport Syndrome and Thin Basement Membrane Nephropathy; ALPORT SYNDROME 2, AUTOSOMAL RECESSIVE; Alport syndrome type 2; COL4A3-Related Nephropathy. Identifiers: Orphanet 63, Orphanet 88919, MedGen C4746745, MONDO:0008762, OMIM 203780.

gnomAD v4.1: 8 of 1,614,002 alleles (0.0005%); highest among the groups gnomAD compares: Non-Finnish European, 0.00068%; no homozygotes.

Submissions (2):

Labcorp Genetics (formerly Invitae), Labcorp
Classification: Uncertain significance. Last evaluated: 2024-06-28. Review status: criteria provided, single submitter. Criteria: Invitae Variant Classification Sherloc (09022015). Collection method: clinical testing. Allele origin: germline.
Comment: This sequence change falls in intron 25 of the COL4A3 gene. It does not directly change the encoded amino acid sequence of the COL4A3 protein. This variant is not present in population databases (gnomAD no frequency). This variant has not been reported in the literature in individuals affected with COL4A3-related conditions. ClinVar contains an entry for this variant (Variation ID: 1678607). Algorithms developed to predict the effect of sequence changes on RNA splicing suggest that this variant may disrupt the consensus splice site. In summary, the available evidence is currently insufficient to determine the role of this variant in disease. Therefore, it has been classified as a Variant of Uncertain Significance.

Molecular Genetics, Royal Melbourne Hospital
Classification: Uncertain significance for Autosomal recessive Alport syndrome. Last evaluated: 2023-03-30. Review status: criteria provided, single submitter. Criteria: ACMG Guidelines, 2015. Collection method: clinical testing. Allele origin: germline. Affected: yes.
Comment: This sequence change falls in the splice region of the acceptor site of intron 25 of COL4A3. It is absent in a large population cohort (gnomAD v2.1 - PM2). The variant has not previously been reported in relevant medical literature or databases. The nucleotide is moderately conserved (100 vertebrates, UCSC), and multiple lines of computational evidence predict a impact on splicing (HSF, MaxEntScan, NNSplice - PP3). The predicted effects are loss of the native acceptor site and activation of an cryptic acceptor site, leading to an in-frame insertion of 9 bp of the intron. Based on the classification scheme RMH ACMG Guidelines v1.1.1, this variant is classified as a VARIANT of UNCERTAIN SIGNIFICANCE. Following criteria are met: PM2, PP3.

NM_000091.5(COL4A3):c.1759-11T>A

Genes: MFF-DT (MFF divergent transcript; minus strand), COL4A3 (collagen type IV alpha 3 chain; plus strand). Cytogenetic location: 2q36.3.
Variant type: single nucleotide variant.
Coding change: c.1759-11T>A on transcript NM_000091.5 (MANE Select); 11 bases into the intron before coding-DNA position 1759, T replaced by A.
Molecular consequence: intron variant.
Genome position (GRCh38, 1-based): chr2:227,272,938, T>A. VCF-style: chr2-227272938-T-A. GRCh37 (hg19) VCF-style: chr2-228137654-T-A.
Identifiers: ClinVar variation 1678607 (VCV001678607.5), dbSNP rs1433223189, ClinGen allele CA915940500.
Genomic context (GRCh38, chr2:227,272,938, plus strand): 5'-GGAGGATGATTAACCTGTTGTAAGAATATACTGGAATGAAGCACGATTCAAACACATTCC[T>A]GTTGTCACAGGCTCTGAGTGGTGAGAAAGGGGACCAAGGTCCTCCAGGGGATCCTGGCTC-3'